The following is an entry in ClinVar:

NM_001378183.1(PIEZO2):c.5998A>T (p.Lys2000Ter)

Gene: PIEZO2 (piezo type mechanosensitive ion channel component 2; minus strand). Cytogenetic location: 18p11.22.
Variant type: single nucleotide variant.
Coding change: c.5998A>T on transcript NM_001378183.1 (MANE Select); coding-DNA position 5998, A replaced by T.
Protein change: p.Lys2000Ter; replaces lysine 2000 with a stop codon.
Molecular consequence: nonsense.
Genome position (GRCh38, 1-based): chr18:10,705,337, T>A on the plus strand (A>T on the coding strand, the complement: PIEZO2 is on the minus strand). VCF-style: chr18-10705337-T-A. GRCh37 (hg19) VCF-style: chr18-10705335-T-A.
Other names: c.5734A>T, p.Lys1912Ter (NM_001410871.1); c.5659A>T, p.Lys1887Ter (NM_022068.4); short protein forms K1887*, K1912*, K2000*.
Identifiers: ClinVar variation 4292449 (VCV004292449.1).

ClinVar aggregate classification (germline): Likely pathogenic (1 of 4 stars; one submission).

Conditions:
Arthrogryposis, distal, with impaired proprioception and touch (DAIPT). Identifiers: MedGen C4310692, MONDO:0014941, OMIM 617146.

Submission:

3billion
Classification: Likely pathogenic for Arthrogryposis, distal, with impaired proprioception and touch. Last evaluated: 2024-06-27. Review status: criteria provided, single submitter. Criteria: ACMG Guidelines, 2015. Collection method: clinical testing. Allele origin: germline. Affected: yes.
Comment: The variant is not observed in the gnomAD v4.0.0 dataset. Predicted Consequence/Location: Stop-gained (nonsense): predicted to result in a loss or disruption of normal protein function through nonsense-mediated decay (NMD) or protein truncation. Multiple pathogenic variants are reported downstream of the variant. Therefore, this variant is classified as Likely pathogenic according to the recommendation of ACMG/AMP guideline.